The following is an entry in ClinVar:

NM_014270.5(SLC7A9):c.399C>T (p.Ser133=)

Gene: SLC7A9 (solute carrier family 7 member 9; minus strand). Cytogenetic location: 19q13.11.
Variant type: single nucleotide variant.
Coding change: c.399C>T on transcript NM_014270.5 (MANE Select); coding-DNA position 399, C replaced by T.
Protein change: p.Ser133=; no amino-acid change (serine 133 retained).
Molecular consequence: synonymous variant.
Genome position (GRCh38, 1-based): chr19:32,864,175, G>A on the plus strand (C>T on the coding strand, the complement: SLC7A9 is on the minus strand). VCF-style: chr19-32864175-G-A. GRCh37 (hg19) VCF-style: chr19-33355081-G-A.
Other names: p.Ser133=; c.399C>T, p.Ser133= (NM_001126335.2, NM_001243036.2).
Identifiers: ClinVar variation 328763 (VCV000328763.17), dbSNP rs35170371, ClinGen allele CA9358856.

ClinVar aggregate classification (germline): Benign. Review status: criteria provided, multiple submitters, no conflicts (2 of 4 stars). 6 submissions from 6 submitters: Benign (6). Last evaluated 2026-02-04.

Conditions:
Cystinuria (CSNU). Also called: Cystinuria, non-type I; CYSTINURIA, TYPE I; CYSTINURIA, TYPE II; CYSTINURIA, TYPE III. Identifiers: Orphanet 214, MedGen C0010691, MONDO:0009067, OMIM 220100, HP:0003131.

Allele frequency attached by ClinVar (database versions not stated): gnomAD exomes 0.18935; ExAC 0.19417; 1000 Genomes Project 0.21146; 1000 Genomes Project 30x 0.21408; TOPMed 0.21433; gnomAD 0.22183 and 0.22541; ESP Exome Variant Server 0.23074.
gnomAD v4.1: 318,927 of 1,614,024 alleles (20%); highest among the groups gnomAD compares: African/African-American, 29%; 32,685 homozygotes.

Submissions (6):

Labcorp Genetics (formerly Invitae), Labcorp
Classification: Benign. Last evaluated: 2026-02-04. Review status: criteria provided, single submitter. Criteria: Invitae Variant Classification Sherloc (09022015). Collection method: clinical testing. Allele origin: germline.

Blueprint Genetics
Classification: Benign. Last evaluated: 2024-11-28. Review status: criteria provided, single submitter. Criteria: ACMG Guidelines, 2015. Collection method: clinical testing. Allele origin: germline.

Mayo Clinic Laboratories, Mayo Clinic
Classification: Benign. Last evaluated: 2022-03-09. Review status: criteria provided, single submitter. Criteria: ACMG Guidelines, 2015. Collection method: clinical testing. Allele origin: germline. Observed: 72 variant alleles.

GeneDx
Classification: Benign. Last evaluated: 2019-08-20. Review status: criteria provided, single submitter. Criteria: GeneDx Variant Classification Process June 2021. Collection method: clinical testing. Allele origin: germline. Affected: yes.

Illumina Laboratory Services, Illumina
Classification: Benign for Cystinuria. Last evaluated: 2018-01-12. Review status: criteria provided, single submitter. Criteria: ICSL Variant Classification Criteria 13 December 2019. Collection method: clinical testing. Allele origin: germline.
Comment: This variant was observed in the ICSL laboratory as part of a predisposition screen in an ostensibly healthy population. It had not been previously curated by ICSL or reported in the Human Gene Mutation Database (HGMD: prior to June 1st, 2018), and was therefore a candidate for classification through an automated scoring system. Utilizing variant allele frequency, disease prevalence and penetrance estimates, and inheritance mode, an automated score was calculated to assess if this variant is too frequent to cause the disease. Based on the score and internal cut-off values, a variant classified as benign is not then subjected to further curation. The score for this variant resulted in a classification of benign for this disease.

Breakthrough Genomics
Classification: Benign. Review status: criteria provided, single submitter. Criteria: ACMG Guidelines, 2015. Collection method: not provided. Allele origin: germline. Inheritance: Autosomal dominant inheritance. Affected: yes.